The following is an entry in ClinVar:

NM_002180.3(IGHMBP2):c.1235+1G>T

Gene: IGHMBP2 (immunoglobulin mu DNA binding protein 2; plus strand). Cytogenetic location: 11q13.3.
Variant type: single nucleotide variant.
Coding change: c.1235+1G>T on transcript NM_002180.3 (MANE Select); the canonical splice donor site of the intron after coding-DNA position 1235, G replaced by T.
Molecular consequence: splice donor variant.
Genome position (GRCh38, 1-based): chr11:68,929,358, G>T. VCF-style: chr11-68929358-G-T. GRCh37 (hg19) VCF-style: chr11-68696826-G-T.
Identifiers: ClinVar variation 1963231 (VCV001963231.5), dbSNP rs2496034758, ClinGen allele CA381647971.

ClinVar aggregate classification (germline): Likely pathogenic (1 of 4 stars; one submission).

Conditions:
Charcot-Marie-Tooth disease axonal type 2S. Also called: CHARCOT-MARIE-TOOTH NEUROPATHY, TYPE 2S; CHARCOT-MARIE-TOOTH DISEASE, AXONAL, AUTOSOMAL RECESSIVE, TYPE 2S. Identifiers: Orphanet 443073, MedGen C4015349, MONDO:0014511, OMIM 616155.
Autosomal recessive distal spinal muscular atrophy 1. Also called: HMN VI; NEURONOPATHY, DISTAL HEREDITARY MOTOR, HARDING TYPE VI; NEUROPATHY, DISTAL HEREDITARY MOTOR, AUTOSOMAL RECESSIVE 1; NEURONOPATHY, SEVERE INFANTILE AXONAL, WITH RESPIRATORY FAILURE; SEVERE INFANTILE AXONAL NEUROPATHY WITH RESPIRATORY FAILURE; SPINAL MUSCULAR ATROPHY, DIAPHRAGMATIC. Identifiers: Orphanet 98920, MedGen C1858517, MONDO:0011436, OMIM 604320.

Submission:

Labcorp Genetics (formerly Invitae), Labcorp
Classification: Likely pathogenic for Autosomal recessive distal spinal muscular atrophy 1; Charcot-Marie-Tooth disease axonal type 2S. Last evaluated: 2022-08-13. Review status: criteria provided, single submitter. Criteria: Invitae Variant Classification Sherloc (09022015). Collection method: clinical testing. Allele origin: germline.
Comment: This variant has not been reported in the literature in individuals affected with IGHMBP2-related conditions. This variant is not present in population databases (gnomAD no frequency). This sequence change affects a donor splice site in intron 8 of the IGHMBP2 gene. It is expected to disrupt RNA splicing. Variants that disrupt the donor or acceptor splice site typically lead to a loss of protein function (PMID: 16199547), and loss-of-function variants in IGHMBP2 are known to be pathogenic (PMID: 14681881, 25439726, 25568292). In summary, the currently available evidence indicates that the variant is pathogenic, but additional data are needed to prove that conclusively. Therefore, this variant has been classified as Likely Pathogenic. Algorithms developed to predict the effect of sequence changes on RNA splicing suggest that this variant may disrupt the consensus splice site.

Literature cited by the submitters: PubMed 16199547; PubMed 14681881; PubMed 25439726; PubMed 25568292.